The following is an entry in ClinVar:

NM_019892.6(INPP5E):c.754T>C (p.Ser252Pro)

Gene: INPP5E (inositol polyphosphate-5-phosphatase E; minus strand). Cytogenetic location: 9q34.3.
Variant type: single nucleotide variant.
Coding change: c.754T>C on transcript NM_019892.6 (MANE Select); coding-DNA position 754, T replaced by C.
Protein change: p.Ser252Pro; replaces serine 252 with proline.
Molecular consequence: missense variant.
Genome position (GRCh38, 1-based): chr9:136,438,666, A>G on the plus strand (T>C on the coding strand, the complement: INPP5E is on the minus strand). VCF-style: chr9-136438666-A-G. GRCh37 (hg19) VCF-style: chr9-139333118-A-G.
Other names: c.754T>C, p.Ser252Pro (NM_001318502.2); c.754T>C (NM_019892.5); short protein forms S252P.
Identifiers: ClinVar variation 866330 (VCV000866330.13), dbSNP rs775406790, ClinGen allele CA5337086.
Genomic context (GRCh38, chr9:136,438,666, plus strand): 5'-ACCTGCTGCGGACGTCCTTGCTGCGGATGGGCGCCAGGAGGCTGAAGGAGGATTTGGCCG[A>G]GCGAAGGGAACAGTCGTCGCAGGCCAGGGGGCTCCGCGGCCGGCCGGGGCCCAGGCTGCT-3'
Protein context (NP_063945.2, residues 242-262): PLACDDCSLR[Ser252Pro]AKSSFSLLAP

ClinVar aggregate classification (germline): Uncertain significance. Review status: criteria provided, multiple submitters, no conflicts (2 of 4 stars). 5 submissions from 5 submitters: Uncertain significance (5). Last evaluated 2026-08-02.

Conditions:
INPP5E-related disorder. Also called: INPP5E-related condition.
Joubert syndrome. Also called: Familial aplasia of the vermis; JOUBERT-BOLTSHAUSER SYNDROME. Identifiers: Orphanet 475, MedGen C5979921, MONDO:0018772.
Inborn genetic diseases. Identifiers: MedGen C0950123, MeSH D030342.
Joubert syndrome 1 (JBTS1). Also called: Cerebellooculorenal syndrome 1; CEREBELLOPARENCHYMAL DISORDER IV. Identifiers: MedGen C4551568, MONDO:0008944, OMIM 213300.
MORM syndrome (MORMS). Identifiers: Orphanet 75858, MedGen C1857802, MONDO:0012423, OMIM 610156.

Allele frequency attached by ClinVar (database versions not stated): gnomAD exomes 0.00002 and 0.00011; ExAC 0.00003; gnomAD 0.00004; TOPMed 0.00006.
gnomAD v4.1: 154 of 1,589,828 alleles (0.0097%); highest among the groups gnomAD compares: Non-Finnish European, 0.013%; no homozygotes.

Submissions (5):

PreventionGenetics, part of Exact Sciences
Classification: Uncertain significance for INPP5E-related condition. Last evaluated: 2026-08-02. Review status: criteria provided, single submitter. Criteria: ACMG Guidelines, 2015. Collection method: clinical testing. Allele origin: germline.
Comment: The INPP5E c.754T>C variant is predicted to result in the amino acid substitution p.Ser252Pro. To our knowledge, this variant has not been reported in the literature. This variant is reported in 0.0050% of alleles in individuals of African descent in gnomAD. At this time, the clinical significance of this variant is uncertain due to the absence of conclusive functional and genetic evidence.

Labcorp Genetics (formerly Invitae), Labcorp
Classification: Uncertain significance for Joubert syndrome. Last evaluated: 2025-01-13. Review status: criteria provided, single submitter. Criteria: Invitae Variant Classification Sherloc (09022015). Collection method: clinical testing. Allele origin: germline.
Comment: This sequence change replaces serine, which is neutral and polar, with proline, which is neutral and non-polar, at codon 252 of the INPP5E protein (p.Ser252Pro). This variant is present in population databases (rs775406790, gnomAD 0.005%). This variant has not been reported in the literature in individuals affected with INPP5E-related conditions. ClinVar contains an entry for this variant (Variation ID: 866330). Invitae Evidence Modeling of protein sequence and biophysical properties (such as structural, functional, and spatial information, amino acid conservation, physicochemical variation, residue mobility, and thermodynamic stability) has been performed for this missense variant. However, the output from this modeling did not meet the statistical confidence thresholds required to predict the impact of this variant on INPP5E protein function. In summary, the available evidence is currently insufficient to determine the role of this variant in disease. Therefore, it has been classified as a Variant of Uncertain Significance.

Ambry Genetics
Classification: Uncertain significance for Inborn genetic diseases. Last evaluated: 2024-09-08. Review status: criteria provided, single submitter. Criteria: Ambry Variant Classification Scheme 2023. Collection method: clinical testing. Allele origin: germline.

Fulgent Genetics
Classification: Uncertain significance for Joubert syndrome 1; MORM syndrome. Last evaluated: 2024-06-18. Review status: criteria provided, single submitter. Criteria: ACMG Guidelines, 2015. Collection method: clinical testing. Allele origin: germline.

Blueprint Genetics
Classification: Uncertain significance. Last evaluated: 2024-03-28. Review status: criteria provided, single submitter. Criteria: ACMG Guidelines, 2015. Collection method: clinical testing. Allele origin: germline.